The following is an entry in ClinVar:

ClinVar aggregate classification (germline): Uncertain significance (1 of 4 stars; one submission).

Conditions:
Cyclical neutropenia. Also called: Cyclic Neutropenia; Cyclic hematopoiesis. Identifiers: Orphanet 2686, MedGen C0221023, MONDO:0008090, OMIM 162800, HP:0040289. Disease mechanism: loss of function.
Neutropenia, severe congenital, 1, autosomal dominant. Identifiers: MedGen C1859966, MONDO:0042490, OMIM 202700.

Submission:

Labcorp Genetics (formerly Invitae), Labcorp
Classification: Uncertain significance for Neutropenia, severe congenital, 1, autosomal dominant; Cyclical neutropenia. Last evaluated: 2022-07-06. Review status: criteria provided, single submitter. Criteria: Invitae Variant Classification Sherloc (09022015). Collection method: clinical testing. Allele origin: germline.
Comment: A copy number gain of the genomic region encompassing the full coding sequence of the ELANE gene has been identified. The boundaries of this event are unknown as they extend beyond the assayed region for this gene and therefore may encompass additional genes. As the precise location of this event is unknown, it may be in tandem or it may be located elsewhere in the genome. This variant has not been reported in the literature in individuals affected with ELANE-related conditions. In summary, the available evidence is currently insufficient to determine the role of this variant in disease. Therefore, it has been classified as a Variant of Uncertain Significance.

NC_000019.9:g.(?_589946)_(2151333_?)dup

Genes: ABCA7 (ATP binding cassette subfamily A member 7; plus strand), ABHD17A (abhydrolase domain containing 17A, depalmitoylase; minus strand), ADAMTSL5 (ADAMTS like 5; minus strand), ADAT3 (adenosine deaminase tRNA specific 3; plus strand), AP3D1 (adaptor related protein complex 3 subunit delta 1; minus strand) and 58 more. Cytogenetic location: 19p13.3.
Variant type: Duplication.
Identifiers: ClinVar variation 2424336 (VCV002424336.4).